The following is an entry in ClinVar:

NM_001754.5(RUNX1):c.1363del (p.Ala455fs)

Gene: RUNX1 (RUNX family transcription factor 1; minus strand). Cytogenetic location: 21q22.12.
Variant type: Deletion.
Coding change: c.1363del on transcript NM_001754.5 (MANE Select); coding-DNA position 1363, one base deleted (G; older notation c.1363delG).
Protein change: p.Ala455fs; shifts the reading frame from alanine 455.
Molecular consequence: frameshift variant.
Genome position (GRCh38, 1-based): chr21:34,792,215, C deleted on the plus strand (G on the coding strand, the reverse complement: RUNX1 is on the minus strand); the first of 2 consecutive C bases (chr21:34,792,215-34,792,216); deleting either gives the same sequence. VCF-style (leftmost placement, unchanged base first): chr21-34792214-GC-G. GRCh37 (hg19) VCF-style: chr21-36164511-GC-G.
Other names: NM_001754.5(RUNX1):c.1363del; p.Ala455fs; c.1282del, p.Ala428fs (NM_001001890.3); short protein forms A428fs, A455fs.
Identifiers: ClinVar variation 1703793 (VCV001703793.5), dbSNP rs2516814024, ClinGen allele CA2580098636.

ClinVar aggregate classification (germline): Likely pathogenic. Review status: reviewed by expert panel (3 of 4 stars). 2 submissions from 2 submitters: Likely pathogenic (1). 1 of the submissions does not count toward it. Last evaluated 2026-10-15.

Conditions:
Hereditary thrombocytopenia and hematologic cancer predisposition syndrome. Identifiers: Orphanet 71290, MedGen CN281654, MONDO:0011071.
Hereditary thrombocytopenia and hematological cancer predisposition syndrome associated with RUNX1. Also called: Familial Platelet Disorder with Propensity to Acute Myelogenous Leukemia; Familial thrombocytopenia with propensity to acute myelogenous leukemia; PLATELET DISORDER, ASPIRIN-LIKE; RUNX1 Familial Platelet Disorder with Associated Myeloid Malignancies. Identifiers: Orphanet 71290, MedGen C1832388, MeSH C563324, MONDO:0100083, OMIM 601399.

Submissions (2):

ClinGen Myeloid Malignancy Variant Curation Expert Panel
Classification: Likely pathogenic for Hereditary thrombocytopenia and hematologic cancer predisposition syndrome. Last evaluated: 2026-10-15. Review status: reviewed by expert panel. Criteria: ClinGen MyeloMalig ACMG Specifications V3.1. Collection method: curation. Allele origin: germline. Inheritance: Autosomal dominant inheritance.
Comment: NM_001754.5(RUNX1):c.1363del (p.Ala455fs) is a frameshift variant which is not predicted to undergo NMD (PVS1_Strong). This variant is downstream of c.98 (PM5_Supporting) and is completely absent from all population databases with at least 20x coverage for RUNX1 (PM2_Supporting). In summary, this variant meets criteria to be classified as likely pathogenic. ACMG/AMP criteria applied, as specified by the ClinGen Myeloid Malignancy Variant Curation Expert Panel for RUNX1: PVS1_Strong, PM5_Supporting, PM2_Supporting.

ISTH-SSC Genomics in Thrombosis and Hemostasis, KU Leuven, Center for Molecular and Vascular Biology
Classification: Benign for Hereditary thrombocytopenia and hematological cancer predisposition syndrome associated with RUNX1. Last evaluated: 2023-06-01. Review status: criteria provided, single submitter. Criteria: ACMG Guidelines, 2015. Collection method: clinical testing. Allele origin: germline. Affected: yes. Observed: 1 heterozygote. Not counted in ClinVar's aggregate classification.
Comment: Submitted to GoldVariant by Jose María Bastida and José Rivera; Grupo Español de Alteraciones Plaquetarias Congénitas (GEAPC)